The following is an entry in ClinVar:

ClinVar aggregate classification (germline): Uncertain significance (1 of 4 stars; one submission).

Conditions:
Muscular dystrophy-dystroglycanopathy (congenital with brain and eye anomalies), type A2. Also called: WALKER-WARBURG SYNDROME OR MUSCLE-EYE-BRAIN DISEASE, POMT2-RELATED; MUSCULAR DYSTROPHY-DYSTROGLYCANOPATHY (CONGENITAL WITH BRAIN AND EYE ANOMALIES), TYPE A, 2. Identifiers: Orphanet 588, Orphanet 899, MedGen C3150411, MONDO:0013154, OMIM 613150.
Muscular dystrophy-dystroglycanopathy (congenital with impaired intellectual development), type B, 2. Also called: Muscular dystrophy-dystroglycanopathy (congenital with intellectual disability), type B2; MUSCULAR DYSTROPHY, CONGENITAL, POMT2-RELATED. Identifiers: MedGen C3150416, MONDO:0013160, OMIM 613156.
Autosomal recessive limb-girdle muscular dystrophy type 2N. Also called: MUSCULAR DYSTROPHY-DYSTROGLYCANOPATHY, LIMB-GIRDLE, POMT2-RELATED; Muscular dystrophy-dystroglycanopathy (limb-girdle), type C, 2. Identifiers: Orphanet 206559, MedGen C3150418, MONDO:0013162, OMIM 613158.

Submission:

Labcorp Genetics (formerly Invitae), Labcorp
Classification: Uncertain significance for Muscular dystrophy-dystroglycanopathy (congenital with impaired intellectual development), type B, 2; Muscular dystrophy-dystroglycanopathy (congenital with brain and eye anomalies), type A2; Autosomal recessive limb-girdle muscular dystrophy type 2N. Last evaluated: 2022-10-04. Review status: criteria provided, single submitter. Criteria: Invitae Variant Classification Sherloc (09022015). Collection method: clinical testing. Allele origin: germline.
Comment: In summary, the available evidence is currently insufficient to determine the role of this variant in disease. Therefore, it has been classified as a Variant of Uncertain Significance. ClinVar contains an entry for this variant (Variation ID: 662827). Advanced modeling of protein sequence and biophysical properties (such as structural, functional, and spatial information, amino acid conservation, physicochemical variation, residue mobility, and thermodynamic stability) performed at Invitae indicates that this missense variant is not expected to disrupt POMT2 protein function. This sequence change replaces glycine, which is neutral and non-polar, with alanine, which is neutral and non-polar, at codon 115 of the POMT2 protein (p.Gly115Ala). This variant is not present in population databases (gnomAD no frequency). This variant has not been reported in the literature in individuals affected with POMT2-related conditions.

NM_013382.7(POMT2):c.344G>C (p.Gly115Ala)

Gene: POMT2 (protein O-mannosyltransferase 2; minus strand). Cytogenetic location: 14q24.3.
Variant type: single nucleotide variant.
Coding change: c.344G>C on transcript NM_013382.7 (MANE Select); coding-DNA position 344, G replaced by C.
Protein change: p.Gly115Ala; replaces glycine 115 with alanine.
Molecular consequence: missense variant.
Genome position (GRCh38, 1-based): chr14:77,306,431, C>G on the plus strand (G>C on the coding strand, the complement: POMT2 is on the minus strand). VCF-style: chr14-77306431-C-G. GRCh37 (hg19) VCF-style: chr14-77772774-C-G.
Other names: short protein forms G115A.
Identifiers: ClinVar variation 662827 (VCV000662827.11), dbSNP rs1594800236, ClinGen allele CA390521122.